The following is an entry in ClinVar:

ClinVar aggregate classification (germline): Uncertain significance (1 of 4 stars; one submission).

Allele frequency attached by ClinVar (database versions not stated): gnomAD exomes 0.00001.
gnomAD v4.1: 15 of 1,593,522 alleles (0.00094%); highest among the groups gnomAD compares: Non-Finnish European, 0.0012%; no homozygotes.

Submission:

GeneDx
Classification: Uncertain significance. Last evaluated: 2022-09-27. Review status: criteria provided, single submitter. Criteria: GeneDx Variant Classification Process June 2021. Collection method: clinical testing. Allele origin: germline. Affected: yes.
Comment: Not observed at significant frequency in large population cohorts (gnomAD); In silico analysis supports that this missense variant has a deleterious effect on protein structure/function; Has not been previously published as pathogenic or benign to our knowledge; This variant is associated with the following publications: (PMID: Huarriz_2021_Thesis)

NM_001374828.1(ARID1B):c.5174T>C (p.Ile1725Thr)

Gene: ARID1B (AT-rich interaction domain 1B; plus strand). Cytogenetic location: 6q25.3.
Variant type: single nucleotide variant.
Coding change: c.5174T>C on transcript NM_001374828.1 (MANE Select); coding-DNA position 5174, T replaced by C.
Protein change: p.Ile1725Thr; replaces isoleucine 1725 with threonine.
Molecular consequence: missense variant.
Genome position (GRCh38, 1-based): chr6:157,201,399, T>C. VCF-style: chr6-157201399-T-C. GRCh37 (hg19) VCF-style: chr6-157522533-T-C.
Other names: c.4925T>C, p.Ile1642Thr (NM_001346813.1); c.2675T>C, p.Ile892Thr (NM_001363725.2); c.5054T>C, p.Ile1685Thr (NM_001371656.1, NM_001374820.1); c.5015T>C, p.Ile1672Thr (NM_017519.3); c.4805T>C, p.Ile1602Thr (NM_020732.3); c.4592T>C, p.Ile1531Thr (NM_175863.2); short protein forms I1531T, I1602T, I1642T, I1672T, I1685T, I1725T, I892T.
Identifiers: ClinVar variation 2446259 (VCV002446259.1), dbSNP rs766639614, ClinGen allele CA150370457.